The following is an entry in ClinVar:

ClinVar aggregate classification (germline): Uncertain significance (1 of 4 stars; one submission).

Conditions:
Hereditary cancer-predisposing syndrome. Also called: Tumor predisposition; Hereditary neoplastic syndrome; Neoplastic Syndromes, Hereditary; Hereditary Cancer Syndrome. Identifiers: Orphanet 140162, MedGen C0027672, MeSH D009386, MONDO:0015356.

Submission:

Ambry Genetics
Classification: Uncertain significance for Hereditary cancer-predisposing syndrome. Last evaluated: 2025-06-06. Review status: criteria provided, single submitter. Criteria: Ambry Variant Classification Scheme 2023. Collection method: clinical testing. Allele origin: germline.
Comment: The p.D886V variant (also known as c.2657A>T), located in coding exon 16 of the DICER1 gene, results from an A to T substitution at nucleotide position 2657. The aspartic acid at codon 886 is replaced by valine, an amino acid with highly dissimilar properties. This amino acid position is conserved. In addition, the in silico prediction for this alteration is inconclusive. Based on the available evidence, the clinical significance of this variant remains unclear.

NM_177438.3(DICER1):c.2657A>T (p.Asp886Val)

Gene: DICER1 (dicer 1, ribonuclease III; minus strand). Cytogenetic location: 14q32.13.
Variant type: single nucleotide variant.
Coding change: c.2657A>T on transcript NM_177438.3 (MANE Select); coding-DNA position 2657, A replaced by T.
Protein change: p.Asp886Val; replaces aspartic acid 886 with valine.
Molecular consequence: missense variant. On other transcripts: non-coding transcript variant (6).
Genome position (GRCh38, 1-based): chr14:95,107,755, T>A on the plus strand (A>T on the coding strand, the complement: DICER1 is on the minus strand). VCF-style: chr14-95107755-T-A. GRCh37 (hg19) VCF-style: chr14-95574092-T-A.
Other names: c.2657A>T, p.Asp886Val (NM_001195573.1, NM_001271282.3, NM_001291628.2 and 12 more transcripts); c.2375A>T, p.Asp792Val (NM_001395686.1); c.2252A>T, p.Asp751Val (NM_001395687.1, NM_001395688.1, NM_001395689.1 and 2 more transcripts); c.2090A>T, p.Asp697Val (NM_001395691.1); c.974A>T, p.Asp325Val (NM_001395697.1); short protein forms D792V, D325V, D697V, D886V, D751V.
Identifiers: ClinVar variation 4011689 (VCV004011689.1).
Genomic context (GRCh38, chr14:95,107,755, plus strand): 5'-CGAGCTTCAGACTTCTCAATATCTTCCATGAATTTAAAGTCAATATCCAAAGTGCTGGAG[T>A]CATTAACTTAGAAGAGAAAAACGACTCTTTAGCTTGTTAAAACATGATACAGATAAGTTT-3'
Protein context (NP_803187.1, residues 876-896): YCVLPLNVVN[Asp886Val]SSTLDIDFKF